The following is an entry in ClinVar:

NM_001370259.2(MEN1):c.-23-135G>A

Gene: MEN1 (menin 1; minus strand). Cytogenetic location: 11q13.1.
Variant type: single nucleotide variant.
Coding change: c.-23-135G>A on transcript NM_001370259.2 (MANE Select); 135 bases into the intron before 23 bases upstream of the start codon, G replaced by A.
Molecular consequence: intron variant. On other transcripts: splice donor variant (5).
Genome position (GRCh38, 1-based): chr11:64,810,267, C>T on the plus strand (G>A on the coding strand, the complement: MEN1 is on the minus strand). VCF-style: chr11-64810267-C-T. GRCh37 (hg19) VCF-style: chr11-64577739-C-T.
Other names: c.-23-135G>A (NM_130804.3, NM_130803.3, NM_001407148.1 and 14 more transcripts); c.-24+28G>A (NM_001407147.1); c.-24+1G>A (NM_001370262.2, NM_001370261.2, NM_001407143.1 and 2 more transcripts).
Identifiers: ClinVar variation 135553 (VCV000135553.3), dbSNP rs587777949, ClinGen allele CA009341.
Genomic context (GRCh38, chr11:64,810,267, plus strand): 5'-CCACCCGCCCCGACACACGCACAGCTCCCCTGCTTCCCCACCCTCTTCAGCCTCTGCTCA[C>T]CGGCTTCCCCTCTTTTGTCGGTGAGACCCCTCAGCCGAGACTGCAGAGCCTTTTTGTCCC-3'

ClinVar aggregate classification (germline): Uncertain significance. Review status: criteria provided, single submitter (1 of 4 stars). 2 submissions from 2 submitters: Uncertain significance (1). 1 of the submissions does not count toward it. Last evaluated 2020-02-23.

Conditions:
Multiple endocrine neoplasia, type 1 (MEN1). Also called: Endocrine adenomatosis multiple; MEN 1; MEN I; WERMER SYNDROME; MEA I. Identifiers: Orphanet 652, MedGen C0025267, MeSH D018761, MONDO:0007540, OMIM 131100.

Allele frequency attached by ClinVar (database versions not stated): gnomAD 0.00011 and 0.00012; TOPMed 0.00007.
gnomAD v4.1: 27 of 627,826 alleles (0.0043%); highest among the groups gnomAD compares: African/African-American, 0.024%; 1 homozygote.

Submissions (2):

Baylor Genetics
Classification: Uncertain significance for Multiple endocrine neoplasia, type 1. Last evaluated: 2020-02-23. Review status: criteria provided, single submitter. Criteria: ACMG Guidelines, 2015. Collection method: clinical testing. Allele origin: unknown. Affected: yes. Study: CSER-TexasKidsCanSeq.
Comment: This variant was determined to be of uncertain significance according to ACMG Guidelines, 2015 [PMID:25741868].

ITMI
No classification provided. Condition: AllHighlyPenetrant. Last evaluated: 2013-09-19. Review status: no classification provided. Collection method: reference population. Allele origin: germline. Not counted in ClinVar's aggregate classification.
Comment: Please see associated publication for description of ethnicities

Literature cited by the submitters: PubMed 24728327 (cited by ITMI).